The following is an entry in ClinVar:

NM_001447.3(FAT2):c.4406G>A (p.Arg1469Gln)

Genes: FAT2 (FAT atypical cadherin 2; minus strand), SLC36A1 (solute carrier family 36 member 1; plus strand). Cytogenetic location: 5q33.1.
Variant type: single nucleotide variant.
Coding change: c.4406G>A on transcript NM_001447.3 (MANE Select); coding-DNA position 4406, G replaced by A.
Protein change: p.Arg1469Gln; replaces arginine 1469 with glutamine.
Molecular consequence: missense variant.
Genome position (GRCh38, 1-based): chr5:151,550,762, C>T on the plus strand (G>A on the coding strand, the complement: FAT2 is on the minus strand). VCF-style: chr5-151550762-C-T. GRCh37 (hg19) VCF-style: chr5-150930323-C-T.
Other names: c.4406G>A (NM_001447.2); short protein forms R1469Q.
Identifiers: ClinVar variation 2152737 (VCV002152737.30), dbSNP rs200746707, ClinGen allele CA3521552.
Genomic context (GRCh38, chr5:151,550,762, plus strand): 5'-TGGCTGCCATGTATGGTATAGATGAGGCTTTTGCCCTTGTCTTGATCTATGGCCTGGACT[C>T]GCAGGAGCTCTACCCCTGGCACGGTGTCCTGGGGAACTCTGACTTCATAACGAGTTTCCA-3'
Protein context (NP_001438.1, residues 1459-1479): QDTVPGVELL[Arg1469Gln]VQAIDQDKGK

ClinVar aggregate classification (germline): Conflicting classifications of pathogenicity. Review status: criteria provided, conflicting classifications (1 of 4 stars). 3 submissions from 3 submitters: Uncertain significance (2); Likely benign (1). Last evaluated 2025-06-01.

Allele frequency attached by ClinVar (database versions not stated): gnomAD exomes 0.00011; ExAC 0.00012; gnomAD 0.00012; TOPMed 0.00013; ESP Exome Variant Server 0.00015.
gnomAD v4.1: 167 of 1,614,034 alleles (0.01%); highest among the groups gnomAD compares: Non-Finnish European, 0.014%; no homozygotes.

Submissions (3):

CeGaT Center for Human Genetics Tuebingen
Classification: Likely benign. Last evaluated: 2025-06-01. Review status: criteria provided, single submitter. Criteria: CeGaT Center For Human Genetics Tuebingen Variant Classification Criteria Version 2. Collection method: clinical testing. Allele origin: germline. Affected: yes. Observed: 3 variant alleles.
Comment: FAT2: BP4

Labcorp Genetics (formerly Invitae), Labcorp
Classification: Uncertain significance. Last evaluated: 2025-03-17. Review status: criteria provided, single submitter. Criteria: Invitae Variant Classification Sherloc (09022015). Collection method: clinical testing. Allele origin: germline.
Comment: This sequence change replaces arginine, which is basic and polar, with glutamine, which is neutral and polar, at codon 1469 of the FAT2 protein (p.Arg1469Gln). This variant is present in population databases (rs200746707, gnomAD 0.02%). This variant has not been reported in the literature in individuals affected with FAT2-related conditions. ClinVar contains an entry for this variant (Variation ID: 2152737). An algorithm developed to predict the effect of missense changes on protein structure and function outputs the following: PolyPhen-2: "Benign". The glutamine amino acid residue is found in multiple mammalian species, which suggests that this missense change does not adversely affect protein function. In summary, the available evidence is currently insufficient to determine the role of this variant in disease. Therefore, it has been classified as a Variant of Uncertain Significance.

Ambry Genetics
Classification: Uncertain significance. Last evaluated: 2024-07-14. Review status: criteria provided, single submitter. Criteria: Ambry Variant Classification Scheme 2023. Collection method: clinical testing. Allele origin: germline.